The following is an entry in ClinVar:

ClinVar aggregate classification (germline): Uncertain significance (1 of 4 stars; one submission).

Conditions:
Autosomal dominant nocturnal frontal lobe epilepsy 5. Also called: CILIARY DYSKINESIA, PRIMARY, 28, WITH SITUS INVERSUS; KCNT1-Related Epilepsy; CILIARY DYSKINESIA, PRIMARY, 28, WITHOUT SITUS INVERSUS; Epilepsy, nocturnal frontal lobe, 5. Identifiers: Orphanet 98784, MedGen C3554306, MONDO:0014002, OMIM 615005.
Developmental and epileptic encephalopathy, 14 (DEE14). Also called: Early infantile epileptic encephalopathy 14. Identifiers: Orphanet 293181, MedGen C3554195, MONDO:0013989, OMIM 614959.

Allele frequency attached by ClinVar (database versions not stated): gnomAD exomes below 0.00001.
gnomAD v4.1: 1 of 1,611,820 alleles (0.000062%); highest among the groups gnomAD compares: South Asian, 0.0011%; no homozygotes.

Submission:

Labcorp Genetics (formerly Invitae), Labcorp
Classification: Uncertain significance for Autosomal dominant nocturnal frontal lobe epilepsy 5; Developmental and epileptic encephalopathy, 14. Last evaluated: 2021-09-14. Review status: criteria provided, single submitter. Criteria: Invitae Variant Classification Sherloc (09022015). Collection method: clinical testing. Allele origin: germline.
Comment: This sequence change replaces proline with leucine at codon 661 of the KCNT1 protein (p.Pro661Leu). The proline residue is highly conserved and there is a moderate physicochemical difference between proline and leucine. This variant is not present in population databases (ExAC no frequency). This variant has not been reported in the literature in individuals affected with KCNT1-related conditions. Advanced modeling of protein sequence and biophysical properties (such as structural, functional, and spatial information, amino acid conservation, physicochemical variation, residue mobility, and thermodynamic stability) performed at Invitae indicates that this missense variant is expected to disrupt KCNT1 protein function. In summary, the available evidence is currently insufficient to determine the role of this variant in disease. Therefore, it has been classified as a Variant of Uncertain Significance.

NM_020822.3(KCNT1):c.1982C>T (p.Pro661Leu)

Gene: KCNT1 (potassium sodium-activated channel subfamily T member 1; plus strand). Cytogenetic location: 9q34.3.
Variant type: single nucleotide variant.
Coding change: c.1982C>T on transcript NM_020822.3 (MANE Select); coding-DNA position 1982, C replaced by T.
Protein change: p.Pro661Leu; replaces proline 661 with leucine.
Molecular consequence: missense variant.
Genome position (GRCh38, 1-based): chr9:135,771,069, C>T. VCF-style: chr9-135771069-C-T. GRCh37 (hg19) VCF-style: chr9-138662915-C-T.
Other names: c.1847C>T, p.Pro616Leu (NM_001272003.2); short protein forms P661L, P616L.
Identifiers: ClinVar variation 1377483 (VCV001377483.6), dbSNP rs2131511927, ClinGen allele CA375508805.